The following is an entry in ClinVar:

ClinVar aggregate classification (germline): Uncertain significance. Review status: criteria provided, multiple submitters, no conflicts (2 of 4 stars). 3 submissions from 3 submitters: Uncertain significance (3). Last evaluated 2025-08-04.

Conditions:
Short-rib thoracic dysplasia 14 with polydactyly (SRTD14). Identifiers: Orphanet 397715, MedGen C4225286, MONDO:0014688, OMIM 616546.
Joubert syndrome 23 (JBTS23). Identifiers: Orphanet 475, MedGen C4084822, MONDO:0014664, OMIM 616490.
Inborn genetic diseases. Identifiers: MedGen C0950123, MeSH D030342.

Allele frequency attached by ClinVar (database versions not stated): gnomAD exomes 0.00001; gnomAD 0.00003 and 0.00004; TOPMed 0.00003; ExAC 0.00004; ESP Exome Variant Server 0.00009.
gnomAD v4.1: 26 of 1,607,986 alleles (0.0016%); highest among the groups gnomAD compares: Middle Eastern, 0.049%; 1 homozygote.

Submissions (3):

Ambry Genetics
Classification: Uncertain significance for Inborn genetic diseases. Last evaluated: 2025-08-04. Review status: criteria provided, single submitter. Criteria: Ambry Variant Classification Scheme 2023. Collection method: clinical testing. Allele origin: germline.

Blueprint Genetics
Classification: Uncertain significance. Last evaluated: 2024-02-23. Review status: criteria provided, single submitter. Criteria: ACMG Guidelines, 2015. Collection method: clinical testing. Allele origin: germline.

Labcorp Genetics (formerly Invitae), Labcorp
Classification: Uncertain significance for Joubert syndrome 23; Short-rib thoracic dysplasia 14 with polydactyly. Last evaluated: 2022-10-10. Review status: criteria provided, single submitter. Criteria: Invitae Variant Classification Sherloc (09022015). Collection method: clinical testing. Allele origin: germline.
Comment: This sequence change replaces serine, which is neutral and polar, with proline, which is neutral and non-polar, at codon 535 of the KIAA0586 protein (p.Ser535Pro). This variant is present in population databases (rs375472516, gnomAD 0.002%). This variant has not been reported in the literature in individuals affected with KIAA0586-related conditions. ClinVar contains an entry for this variant (Variation ID: 1448079). Advanced modeling of protein sequence and biophysical properties (such as structural, functional, and spatial information, amino acid conservation, physicochemical variation, residue mobility, and thermodynamic stability) performed at Invitae indicates that this missense variant is expected to disrupt KIAA0586 protein function. In summary, the available evidence is currently insufficient to determine the role of this variant in disease. Therefore, it has been classified as a Variant of Uncertain Significance.

NM_001329943.3(KIAA0586):c.1444T>C (p.Ser482Pro)

Gene: KIAA0586 (KIAA0586; plus strand). Cytogenetic location: 14q23.1.
Variant type: single nucleotide variant.
Coding change: c.1444T>C on transcript NM_001329943.3 (MANE Select); coding-DNA position 1444, T replaced by C.
Protein change: p.Ser482Pro; replaces serine 482 with proline.
Molecular consequence: missense variant.
Genome position (GRCh38, 1-based): chr14:58,457,840, T>C. VCF-style: chr14-58457840-T-C. GRCh37 (hg19) VCF-style: chr14-58924558-T-C.
Other names: c.1444T>C (NM_014749.3); c.1603T>C, p.Ser535Pro (NM_001244189.2); c.1399T>C, p.Ser467Pro (NM_001244190.2); c.1189T>C, p.Ser397Pro (NM_001244191.2, NM_001329945.2, NM_001364700.1 and 1 more transcripts); c.1312T>C, p.Ser438Pro (NM_001244192.2); c.1024T>C, p.Ser342Pro (NM_001244193.2); c.1444T>C, p.Ser482Pro (NM_001329944.2, NM_001329946.2, NM_001329947.2 and 1 more transcripts); short protein forms S467P, S482P, S397P, S438P, S342P, S535P.
Identifiers: ClinVar variation 1448079 (VCV001448079.6), dbSNP rs375472516, ClinGen allele CA7205661.
Genomic context (GRCh38, chr14:58,457,840, plus strand): 5'-TTGAAGCTTCCAGATCTTCCACAGAATTCTGTTAAGCTTCAAACAACCAATACAACAAGA[T>C]CTGTATTGAAAGATGCTGAGAAGATTTTGAGAGGAGTACAAAACAATAAAAAAGTACTTG-3'
Protein context (NP_001316872.1, residues 472-492): VKLQTTNTTR[Ser482Pro]VLKDAEKILR